The following is an entry in ClinVar:

NM_001365999.1(SZT2):c.2722G>C (p.Val908Leu)

Gene: SZT2 (SZT2 subunit of KICSTOR complex; plus strand). Cytogenetic location: 1p34.2.
Variant type: single nucleotide variant.
Coding change: c.2722G>C on transcript NM_001365999.1 (MANE Select); coding-DNA position 2722, G replaced by C.
Protein change: p.Val908Leu; replaces valine 908 with leucine.
Molecular consequence: missense variant.
Genome position (GRCh38, 1-based): chr1:43,425,550, G>C. VCF-style: chr1-43425550-G-C. GRCh37 (hg19) VCF-style: chr1-43891221-G-C.
Other names: c.2722G>C, p.Val908Leu (NM_015284.4); short protein forms V908L.
Identifiers: ClinVar variation 1994137 (VCV001994137.4), dbSNP rs1653040525, ClinGen allele CA340014206.

ClinVar aggregate classification (germline): Uncertain significance (1 of 4 stars; one submission).

Submission:

Labcorp Genetics (formerly Invitae), Labcorp
Classification: Uncertain significance. Last evaluated: 2022-05-13. Review status: criteria provided, single submitter. Criteria: Invitae Variant Classification Sherloc (09022015). Collection method: clinical testing. Allele origin: germline.
Comment: This variant is not present in population databases (gnomAD no frequency). In summary, the available evidence is currently insufficient to determine the role of this variant in disease. Therefore, it has been classified as a Variant of Uncertain Significance. Algorithms developed to predict the effect of missense changes on protein structure and function are either unavailable or do not agree on the potential impact of this missense change (SIFT: "Tolerated"; PolyPhen-2: "Possibly Damaging"; Align-GVGD: "Class C0"). This variant has not been reported in the literature in individuals affected with SZT2-related conditions. This sequence change replaces valine, which is neutral and non-polar, with leucine, which is neutral and non-polar, at codon 908 of the SZT2 protein (p.Val908Leu).